The following is an entry in ClinVar:

ClinVar aggregate classification (germline): Uncertain significance. Review status: criteria provided, multiple submitters, no conflicts (2 of 4 stars). 2 submissions from 2 submitters: Uncertain significance (2). Last evaluated 2022-03-08.

Conditions:
Long QT syndrome (LQTS). Identifiers: MedGen C0023976, MeSH D008133, MONDO:0002442. Disease mechanism: loss of function. Inheritance: Various modes of inheritance.

Allele frequency attached by ClinVar (database versions not stated): gnomAD exomes below 0.00001.

Submissions (2):

Labcorp Genetics (formerly Invitae), Labcorp
Classification: Uncertain significance for Long QT syndrome. Last evaluated: 2022-03-08. Review status: criteria provided, single submitter. Criteria: Invitae Variant Classification Sherloc (09022015). Collection method: clinical testing. Allele origin: germline.
Comment: In summary, the available evidence is currently insufficient to determine the role of this variant in disease. Therefore, it has been classified as a Variant of Uncertain Significance. Algorithms developed to predict the effect of missense changes on protein structure and function (SIFT, PolyPhen-2, Align-GVGD) all suggest that this variant is likely to be tolerated. ClinVar contains an entry for this variant (Variation ID: 200295). This variant has not been reported in the literature in individuals affected with KCNH2-related conditions. This variant is not present in population databases (gnomAD no frequency). This sequence change replaces threonine, which is neutral and polar, with methionine, which is neutral and non-polar, at codon 201 of the KCNH2 protein (p.Thr201Met).

GeneDx
Classification: Uncertain significance. Last evaluated: 2013-04-23. Review status: criteria provided, single submitter. Criteria: GeneDx Variant Classification (06012015). Collection method: clinical testing. Allele origin: germline. Affected: yes.
Comment: p.Thr201Met (ACG>ATG): c.602 C>T in exon 4 of the KCNH2 gene (NM_000238.2). The Thr201Met variant in the KCNH2 gene has not been reported as a disease-causing mutation or as a benign polymorphism to our knowledge. Thr201Met results in a non-conservative amino acid substitution of a polar Threonine residue with a non-polar Methionine residue at a position that is not conserved across species. In silico analysis predicts Thr201Met is benign to the protein structure/function. However, the Thr201Met variant was not observed in approximately 5,200 individuals of European and African American ancestry in the NHLBI Exome Sequencing Project, indicating it is not a common benign variant in these populations.With the clinical and molecular information available at this time, we cannot definitively determine if Thr201Met is a disease-causing mutation or a rare benign variant. The variant is found in LQT panel(s).

NM_000238.4(KCNH2):c.602C>T (p.Thr201Met)

Gene: KCNH2 (potassium voltage-gated channel subfamily H member 2; minus strand). Cytogenetic location: 7q36.1.
Variant type: single nucleotide variant.
Coding change: c.602C>T on transcript NM_000238.4 (MANE Select); coding-DNA position 602, C replaced by T.
Protein change: p.Thr201Met; replaces threonine 201 with methionine.
Molecular consequence: missense variant.
Genome position (GRCh38, 1-based): chr7:150,958,373, G>A on the plus strand (C>T on the coding strand, the complement: KCNH2 is on the minus strand). VCF-style: chr7-150958373-G-A. GRCh37 (hg19) VCF-style: chr7-150655461-G-A.
Other names: p.T201M:ACG>ATG; c.314C>T, p.Thr105Met (NM_001406753.1, NM_001406756.1); c.425C>T, p.Thr142Met (NM_001406755.1); c.302C>T, p.Thr101Met (NM_001406757.1); c.602C>T, p.Thr201Met (NM_172056.3); short protein forms T201M, T142M, T105M, T101M.
Identifiers: ClinVar variation 200295 (VCV000200295.8), dbSNP rs794728357, ClinGen allele CA008625.